The following is an entry in ClinVar:

NM_182978.4(GNAL):c.508A>G (p.Ile170Val)

Gene: GNAL (G protein subunit alpha L; plus strand). Cytogenetic location: 18p11.21.
Variant type: single nucleotide variant.
Coding change: c.508A>G on transcript NM_182978.4 (MANE Select); coding-DNA position 508, A replaced by G.
Protein change: p.Ile170Val; replaces isoleucine 170 with valine.
Molecular consequence: missense variant.
Genome position (GRCh38, 1-based): chr18:11,753,829, A>G. VCF-style: chr18-11753829-A-G. GRCh37 (hg19) VCF-style: chr18-11753828-A-G.
Other names: c.277A>G, p.Ile93Val (NM_001369387.1, NM_001142339.3, NM_001261443.2); short protein forms I170V, I93V.
Identifiers: ClinVar variation 3614607 (VCV003614607.2).

ClinVar aggregate classification (germline): Uncertain significance (1 of 4 stars; one submission).

Conditions:
Dystonic disorder. Also called: Dystonia. Identifiers: MedGen C0013421, MONDO:0003441, HP:0001332.

gnomAD v4.1: 1 of 1,608,098 alleles (0.000062%); highest among the groups gnomAD compares: Non-Finnish European, 0.000085%; no homozygotes.

Submission:

Labcorp Genetics (formerly Invitae), Labcorp
Classification: Uncertain significance for Dystonic disorder. Last evaluated: 2024-11-12. Review status: criteria provided, single submitter. Criteria: Invitae Variant Classification Sherloc (09022015). Collection method: clinical testing. Allele origin: germline.
Comment: This sequence change replaces isoleucine, which is neutral and non-polar, with valine, which is neutral and non-polar, at codon 93 of the GNAL protein (p.Ile93Val). This variant is not present in population databases (gnomAD no frequency). This variant has not been reported in the literature in individuals affected with GNAL-related conditions. Invitae Evidence Modeling of protein sequence and biophysical properties (such as structural, functional, and spatial information, amino acid conservation, physicochemical variation, residue mobility, and thermodynamic stability) indicates that this missense variant is not expected to disrupt GNAL protein function with a negative predictive value of 80%. In summary, the available evidence is currently insufficient to determine the role of this variant in disease. Therefore, it has been classified as a Variant of Uncertain Significance.